The following is an entry in ClinVar:

NM_001385012.1(NBEA):c.5504G>A (p.Ser1835Asn)

Gene: NBEA (neurobeachin; plus strand). Cytogenetic location: 13q13.3.
Variant type: single nucleotide variant.
Coding change: c.5504G>A on transcript NM_001385012.1 (MANE Select); coding-DNA position 5504, G replaced by A.
Protein change: p.Ser1835Asn; replaces serine 1835 with asparagine.
Molecular consequence: missense variant.
Genome position (GRCh38, 1-based): chr13:35,208,837, G>A. VCF-style: chr13-35208837-G-A. GRCh37 (hg19) VCF-style: chr13-35782974-G-A.
Other names: c.5495G>A, p.Ser1832Asn (NM_001379245.1); c.5504G>A, p.Ser1835Asn (NM_015678.5); short protein forms S1832N, S1835N.
Identifiers: ClinVar variation 4071733 (VCV004071733.1).

ClinVar aggregate classification (germline): Uncertain significance (1 of 4 stars; one submission).

Submission:

GeneDx
Classification: Uncertain significance. Last evaluated: 2025-01-25. Review status: criteria provided, single submitter. Criteria: GeneDx Variant Classification Process June 2021. Collection method: clinical testing. Allele origin: germline. Affected: yes.
Comment: Not observed at significant frequency in large population cohorts (gnomAD); In silico analysis indicates that this missense variant does not alter protein structure/function; Has not been previously published as pathogenic or benign to our knowledge